The following is an entry in ClinVar:

NM_004304.5(ALK):c.2816-15T>C

Gene: ALK (ALK receptor tyrosine kinase; minus strand). Cytogenetic location: 2p23.2.
Variant type: single nucleotide variant.
Coding change: c.2816-15T>C on transcript NM_004304.5 (MANE Select); 15 bases into the intron before coding-DNA position 2816, T replaced by C.
Molecular consequence: intron variant.
Genome position (GRCh38, 1-based): chr2:29,227,687, A>G on the plus strand (T>C on the coding strand, the complement: ALK is on the minus strand). VCF-style: chr2-29227687-A-G. GRCh37 (hg19) VCF-style: chr2-29450553-A-G.
Identifiers: ClinVar variation 2807244 (VCV002807244.3), dbSNP rs2465973911, ClinGen allele CA2658460863.

ClinVar aggregate classification (germline): Uncertain significance (1 of 4 stars; one submission).

Conditions:
Neuroblastoma, susceptibility to, 3. Also called: ALK-Related Neuroblastic Tumor Susceptibility. Identifiers: Orphanet 635, MedGen C2751681, MONDO:0013083, OMIM 613014.

Allele frequency attached by ClinVar (database versions not stated): gnomAD exomes below 0.00001.
gnomAD v4.1: 1 of 1,610,762 alleles (0.000062%); highest among the groups gnomAD compares: Non-Finnish European, 0.000085%; no homozygotes.

Submission:

Labcorp Genetics (formerly Invitae), Labcorp
Classification: Uncertain significance for Neuroblastoma, susceptibility to, 3. Last evaluated: 2022-12-09. Review status: criteria provided, single submitter. Criteria: Invitae Variant Classification Sherloc (09022015). Collection method: clinical testing. Allele origin: germline.
Comment: In summary, the available evidence is currently insufficient to determine the role of this variant in disease. Therefore, it has been classified as a Variant of Uncertain Significance. Algorithms developed to predict the effect of sequence changes on RNA splicing suggest that this variant may disrupt the consensus splice site. This variant has not been reported in the literature in individuals affected with ALK-related conditions. This variant is not present in population databases (gnomAD no frequency). This sequence change falls in intron 16 of the ALK gene. It does not directly change the encoded amino acid sequence of the ALK protein.